The following is an entry in ClinVar:

ClinVar aggregate classification (germline): Uncertain significance. Review status: criteria provided, multiple submitters, no conflicts (2 of 4 stars). 5 submissions from 5 submitters: Uncertain significance (5). Last evaluated 2026-07-07.

Conditions:
Inborn genetic diseases. Identifiers: MedGen C0950123, MeSH D030342.
RYR1-related disorder. Also called: RYR1-related condition; RYR1-related disorders. Identifiers: MedGen CN239331.
Malignant hyperthermia, susceptibility to, 1 (MHS1). Also called: Anesthesia related hyperthermia; Malignant hyperpyrexia; Fulminating hyperpyrexia; Pharmacogenic myopathy; RYR1-Related Malignant Hyperthermia Susceptibility; Malignant hyperthermia suceptibility 1. Identifiers: Orphanet 423, MedGen C2930980, MONDO:0007783, OMIM 145600.

gnomAD v4.1: 6 of 1,613,980 alleles (0.00037%); highest among the groups gnomAD compares: East Asian, 0.011%; no homozygotes.

Submissions (5):

Ambry Genetics
Classification: Uncertain significance for Inborn genetic diseases. Last evaluated: 2026-07-07. Review status: criteria provided, single submitter. Criteria: Ambry Variant Classification Scheme 2023. Collection method: clinical testing. Allele origin: germline.
Comment: The p.P1411A variant (also known as c.4231C>G), located in coding exon 29 of the RYR1 gene, results from a C to G substitution at nucleotide position 4231. The proline at codon 1411 is replaced by alanine, an amino acid with highly similar properties. This amino acid position is conserved. In addition, the in silico prediction for this alteration is inconclusive. Based on the available evidence, the clinical significance of this variant remains unclear.

Labcorp Genetics (formerly Invitae), Labcorp
Classification: Uncertain significance for RYR1-related disorder. Last evaluated: 2025-08-10. Review status: criteria provided, single submitter. Criteria: Invitae Variant Classification Sherloc (09022015). Collection method: clinical testing. Allele origin: germline.
Comment: This sequence change replaces proline, which is neutral and non-polar, with alanine, which is neutral and non-polar, at codon 1411 of the RYR1 protein (p.Pro1411Ala). This variant is present in population databases (no rsID available, gnomAD 0.02%). This variant has not been reported in the literature in individuals affected with RYR1-related conditions. ClinVar contains an entry for this variant (Variation ID: 3074665). Invitae Evidence Modeling of protein sequence and biophysical properties (such as structural, functional, and spatial information, amino acid conservation, physicochemical variation, residue mobility, and thermodynamic stability) indicates that this missense variant is not expected to disrupt RYR1 protein function with a negative predictive value of 80%. In summary, the available evidence is currently insufficient to determine the role of this variant in disease. Therefore, it has been classified as a Variant of Uncertain Significance.

Revvity Omics, Revvity
Classification: Uncertain significance. Last evaluated: 2024-04-04. Review status: criteria provided, single submitter. Criteria: ACMG Guidelines, 2015. Collection method: clinical testing. Allele origin: germline.

All of Us Research Program, National Institutes of Health
Classification: Uncertain significance for Malignant hyperthermia, susceptibility to, 1. Last evaluated: 2023-12-13. Review status: criteria provided, single submitter. Criteria: ACMG Guidelines, 2015. Collection method: clinical testing. Allele origin: germline. Inheritance: Autosomal dominant inheritance. Observed: 3 variant alleles, 3 heterozygotes.
Comment: This missense variant replaces proline with alanine at codon 1411 of the RYR1 protein. Computational prediction suggests that this variant may not impact protein structure and function (internally defined REVEL score threshold <= 0.5, PMID: 27666373). To our knowledge, functional studies have not been reported for this variant. This variant has not been reported in individuals affected with RYR1-related disorders in the literature. This variant has been identified in 3/250656 chromosomes in the general population by the Genome Aggregation Database (gnomAD). The available evidence is insufficient to determine the role of this variant in disease conclusively. Therefore, this variant is classified as a Variant of Uncertain Significance.

This study involves interpretation of variants in research participants for the purpose of population health screening. Participant phenotype was not available at the time of variant classification. Additional details can be found in publication PMID: 35346344, PMCID: PMC8962531

Blueprint Genetics
Classification: Uncertain significance. Last evaluated: 2020-03-02. Review status: criteria provided, single submitter. Criteria: ACMG Guidelines, 2015. Collection method: clinical testing. Allele origin: germline.

NM_000540.3(RYR1):c.4231C>G (p.Pro1411Ala)

Gene: RYR1 (ryanodine receptor 1; plus strand). Cytogenetic location: 19q13.2.
Variant type: single nucleotide variant.
Coding change: c.4231C>G on transcript NM_000540.3 (MANE Select); coding-DNA position 4231, C replaced by G.
Protein change: p.Pro1411Ala; replaces proline 1411 with alanine.
Molecular consequence: missense variant.
Genome position (GRCh38, 1-based): chr19:38,475,388, C>G. VCF-style: chr19-38475388-C-G. GRCh37 (hg19) VCF-style: chr19-38966028-C-G.
Other names: c.4231C>G, p.Pro1411Ala (NM_001042723.2); short protein forms P1411A.
Identifiers: ClinVar variation 3074665 (VCV003074665.5), dbSNP rs1228139814, ClinGen allele CA405644449.